The following is an entry in ClinVar:

NM_000352.6(ABCC8):c.2574T>C (p.Ala858=)

Gene: ABCC8 (ATP binding cassette subfamily C member 8; minus strand). Cytogenetic location: 11p15.1.
Variant type: single nucleotide variant.
Coding change: c.2574T>C on transcript NM_000352.6 (MANE Select); coding-DNA position 2574, T replaced by C.
Protein change: p.Ala858=; no amino-acid change (alanine 858 retained).
Molecular consequence: synonymous variant. On other transcripts: non-coding transcript variant (1).
Genome position (GRCh38, 1-based): chr11:17,410,636, A>G on the plus strand (T>C on the coding strand, the complement: ABCC8 is on the minus strand). VCF-style: chr11-17410636-A-G. GRCh37 (hg19) VCF-style: chr11-17432183-A-G.
Other names: c.2577T>C, p.Ala859= (NM_001287174.3); c.2640T>C, p.Ala880= (NM_001351295.2); c.2574T>C, p.Ala858= (NM_001351296.2); c.2571T>C, p.Ala857= (NM_001351297.2).
Identifiers: ClinVar variation 990399 (VCV000990399.2), dbSNP rs1954764675, ClinGen allele CA473301041.

ClinVar aggregate classification (germline): Uncertain significance. Review status: criteria provided, single submitter (1 of 4 stars). 3 submissions from 2 submitters: Uncertain significance (2). 1 of the submissions does not count toward it.

Conditions:
Maturity-onset diabetes of the young (MODY). Also called: Maturity onset diabetes mellitus in young. Identifiers: Orphanet 552, MedGen C0342276, MONDO:0018911, HP:0004904.
Hereditary hyperinsulinism.
Transitory neonatal diabetes mellitus. Also called: Transient neonatal diabetes mellitus. Identifiers: MedGen C0342273, MONDO:0020525, HP:0008255.

Submissions (3):

Clinical Genomics, Uppaluri K&H Personalized Medicine Clinic
Classification: Uncertain significance for Transitory neonatal diabetes mellitus. Review status: criteria provided, single submitter. Criteria: K & H Uppaluri Personalized Medicine Clinic Variant Classification & Assertion Criteria_Updated V.1. Collection method: research. Allele origin: unknown. Inheritance: Somatic mutation.
Comment: Mutations in ABCC8 gene are associated with both neonatal diabetes mellitus as well as MODY. Patients with this mutation may have a better response to sulfonylureas. However, no sufficient evidence is found to ascertain the role of this particular variant ( rs1954764675) in neonatal diabetes yet.

Clinical Genomics, Uppaluri K&H Personalized Medicine Clinic
Classification: Uncertain significance for Maturity-onset diabetes of the young. Review status: criteria provided, single submitter. Criteria: K & H Uppaluri Personalized Medicine Clinic Variant Classification & Assertion Criteria_Updated V.1. Collection method: research. Allele origin: unknown. Inheritance: Somatic mutation.
Comment: Mutations in ABCC8 gene are associated with both neonatal diabetes mellitus as well as MODY. Patients with this mutation may have a better response to sulfonylureas. However, no sufficient evidence is found to ascertain the role of this particular variant ( rs1954764675) in MODY yet.

Natera, Inc.
Classification: Uncertain significance for Hereditary hyperinsulinism. Last evaluated: 2020-04-10. Review status: no assertion criteria provided. Collection method: clinical testing. Allele origin: germline. Not counted in ClinVar's aggregate classification.

Literature cited by the submitters: PubMed 16885549 (cited by Clinical Genomics, Uppaluri K&H Personalized Medicine Clinic); PubMed 21989597 (cited by Clinical Genomics, Uppaluri K&H Personalized Medicine Clinic); PubMed 27538677 (cited by Clinical Genomics, Uppaluri K&H Personalized Medicine Clinic); PubMed 18981553 (cited by Clinical Genomics, Uppaluri K&H Personalized Medicine Clinic); PubMed 32027066 (cited by Clinical Genomics, Uppaluri K&H Personalized Medicine Clinic); PubMed 16613899 (cited by Clinical Genomics, Uppaluri K&H Personalized Medicine Clinic); PubMed 18025408 (cited by Clinical Genomics, Uppaluri K&H Personalized Medicine Clinic); PubMed 32792356 (cited by Clinical Genomics, Uppaluri K&H Personalized Medicine Clinic).